The following is an entry in ClinVar:

ClinVar aggregate classification (germline): Pathogenic (1 of 4 stars; one submission).

Conditions:
Cohen syndrome (COH1). Also called: PEPPER SYNDROME; Cutis verticis gyrata, retinitis pigmentosa, and sensorineural deafness. Identifiers: Orphanet 193, MedGen C0265223, MONDO:0008999, OMIM 216550.

Submission:

Labcorp Genetics (formerly Invitae), Labcorp
Classification: Pathogenic for Cohen syndrome. Last evaluated: 2017-12-21. Review status: criteria provided, single submitter. Criteria: Invitae Variant Classification Sherloc (09022015). Collection method: clinical testing. Allele origin: germline.
Comment: This variant is an out-of-frame deletion of the genomic region encompassing exons 18-39 of the VPS13B gene. This is expected to create a premature translational stop signal and result in an absent or disrupted protein product. For these reasons, this variant has been classified as Pathogenic. Loss-of-function variants in VPS13B are known to be pathogenic (PMID: 15141358, 16648375, 20461111). This variant has not been reported in the literature in individuals with VPS13B-related disease.

Literature cited by the submitters: PubMed 15141358; PubMed 16648375; PubMed 20461111.

NC_000008.11:g.(?_99274178)_(99721067_?)del

Genes: MIR599 (microRNA 599; minus strand), MIR875 (microRNA 875; minus strand), VPS13B (vacuolar protein sorting 13 homolog B; plus strand), LOC110120801 (VISTA enhancer hs909; plus strand). Cytogenetic location: 8q22.2.
Variant type: Deletion.
Identifiers: ClinVar variation 528873 (VCV000528873.3).